The following is an entry in ClinVar:

ClinVar aggregate classification (germline): Pathogenic/Likely pathogenic. Review status: criteria provided, multiple submitters, no conflicts (2 of 4 stars). 6 submissions from 6 submitters: Pathogenic (3); Likely pathogenic (3). Last evaluated 2026-05-18.

Conditions:
ADGRV1-related disorder. Also called: ADGRV1-related disorders; ADGRV1-related condition.
Febrile seizures, familial, 4 (FEB4). Also called: CONVULSIONS, FAMILIAL FEBRILE, 4. Identifiers: MedGen C1858493, MONDO:0011443, OMIM 604352.
Usher syndrome type 2C. Also called: Usher syndrome, type 2B; USHER SYNDROME, TYPE IIC. Identifiers: Orphanet 231178, Orphanet 886, MedGen C2931213, MONDO:0011558, OMIM 605472.

Submissions (6):

PreventionGenetics, part of Exact Sciences
Classification: Pathogenic for ADGRV1-related condition. Last evaluated: 2026-05-18. Review status: criteria provided, single submitter. Criteria: ACMG Guidelines, 2015. Collection method: clinical testing. Allele origin: germline.
Comment: The ADGRV1 c.5967dupA variant is predicted to result in a frameshift and premature protein termination (p.Val1990Serfs*2). This variant was reported along with a variant affecting splicing in an individual with Usher syndrome (described as c.5965dupA, Qian et al. 2021. PubMed ID: 33737949), and a patient with hearing loss with a second potentially causative variant (Supplemental Table, Florentine et al. 2021. PubMed ID: 34515852). This variant is reported in 0.0031% of alleles in individuals of European (Non-Finnish) descent in gnomAD. Frameshift variants in ADGRV1 are expected to be pathogenic. This variant is interpreted as pathogenic.

Labcorp Genetics (formerly Invitae), Labcorp
Classification: Pathogenic. Last evaluated: 2025-10-22. Review status: criteria provided, single submitter. Criteria: Invitae Variant Classification Sherloc (09022015). Collection method: clinical testing. Allele origin: germline.
Comment: This sequence change creates a premature translational stop signal (p.Val1990Serfs*2) in the ADGRV1 gene. It is expected to result in an absent or disrupted protein product. Loss-of-function variants in ADGRV1 are known to be pathogenic (PMID: 19357117, 22135276, 22147658, 26226137, 30718709, 31047384, 32467589). This variant is present in population databases (rs778288846, gnomAD 0.002%). This premature translational stop signal has been observed in individual(s) with clinical features of Usher syndrome (internal data). ClinVar contains an entry for this variant (Variation ID: 817925). For these reasons, this variant has been classified as Pathogenic.

Blueprint Genetics
Classification: Likely pathogenic for ADGRV1-related disorders. Last evaluated: 2023-05-08. Review status: criteria provided, single submitter. Criteria: ACMG Guidelines, 2015. Collection method: clinical testing. Allele origin: germline. Affected: yes. Observed: 4 variant alleles.

Department of Pathology and Laboratory Medicine, Sinai Health System
Classification: Likely pathogenic for Febrile seizures, familial, 4; Usher syndrome type 2C. Last evaluated: 2022-10-03. Review status: criteria provided, single submitter. Criteria: ACMG Guidelines, 2015. Collection method: research. Allele origin: germline.

Revvity Omics, Revvity
Classification: Pathogenic. Last evaluated: 2019-08-21. Review status: criteria provided, single submitter. Criteria: ACMG Guidelines, 2015. Collection method: clinical testing. Allele origin: germline.

GeneDx
Classification: Likely pathogenic. Last evaluated: 2018-12-18. Review status: criteria provided, single submitter. Criteria: GeneDx Variant Classification (06012015). Collection method: clinical testing. Allele origin: germline. Affected: yes.
Comment: The c.5967dupA variant has not been published as a pathogenic variant, nor has it been reported as a benign variant to our knowledge. The variant is not observed at a significant frequency in large population cohorts (Lek et al., 2016). It causes a frameshift starting with codon Valine 1990, changes this amino acid to a Serine residue and creates a premature Stop codon at position 2 of the new reading frame, denoted p.Val1990SerfsX2. This variant is predicted to cause loss of normal protein function either through protein truncation or nonsense-mediated mRNA decay. We consider this variant to be likely pathogenic.

Literature cited by the submitters: PubMed 19357117 (cited by Labcorp Genetics (formerly Invitae), Labcorp); PubMed 22135276 (cited by Labcorp Genetics (formerly Invitae), Labcorp); PubMed 22147658 (cited by Labcorp Genetics (formerly Invitae), Labcorp); PubMed 26226137 (cited by Labcorp Genetics (formerly Invitae), Labcorp); PubMed 30718709 (cited by Labcorp Genetics (formerly Invitae), Labcorp); PubMed 31047384 (cited by Labcorp Genetics (formerly Invitae), Labcorp); PubMed 32467589 (cited by Labcorp Genetics (formerly Invitae), Labcorp).

NM_032119.4(ADGRV1):c.5967dup (p.Val1990fs)

Gene: ADGRV1 (adhesion G protein-coupled receptor V1; plus strand). Cytogenetic location: 5q14.3.
Variant type: Duplication.
Coding change: c.5967dup on transcript NM_032119.4 (MANE Select); coding-DNA position 5967, one base duplicated (A; older notation c.5967dupA).
Protein change: p.Val1990fs; shifts the reading frame from valine 1990.
Molecular consequence: frameshift variant. On other transcripts: non-coding transcript variant (1).
Genome position (GRCh38, 1-based): chr5:90,683,888, A duplicated; the last of 3 consecutive A bases (chr5:90,683,886-90,683,888); duplicating any one gives the same sequence. VCF-style (leftmost placement, unchanged base first): chr5-90683885-T-TA. GRCh37 (hg19) VCF-style: chr5-89979702-T-TA.
Other names: c.5967dup (NM_032119.3); short protein forms V1990fs.
Identifiers: ClinVar variation 817925 (VCV000817925.16), dbSNP rs778288846, ClinGen allele CA3339692.